The following is an entry in ClinVar:

NM_002769.5(PRSS1):c.432G>T (p.Trp144Cys)

Genes: TRB (T cell receptor beta locus; plus strand), PRSS1 (serine protease 1; plus strand). Cytogenetic location: 7q34.
Variant type: single nucleotide variant.
Coding change: c.432G>T on transcript NM_002769.5 (MANE Select); coding-DNA position 432, G replaced by T.
Protein change: p.Trp144Cys; replaces tryptophan 144 with cysteine.
Molecular consequence: missense variant. On other transcripts: non-coding transcript variant (5).
Genome position (GRCh38, 1-based): chr7:142,752,005, G>T. VCF-style: chr7-142752005-G-T. GRCh37 (hg19) VCF-style: chr7-142459856-G-T.
Other names: short protein forms W144C.
Identifiers: ClinVar variation 1739772 (VCV001739772.3), dbSNP rs1164331073, ClinGen allele CA369609191.

ClinVar aggregate classification (germline): Uncertain significance (1 of 4 stars; one submission).

Conditions:
Hereditary pancreatitis (PCTT). Also called: Hereditary chronic pancreatitis; PRSS1-Related Hereditary Pancreatitis. Identifiers: Orphanet 676, MedGen C0238339, MONDO:0008185, OMIM 167800.

Submission:

Ambry Genetics
Classification: Uncertain significance for Hereditary pancreatitis. Last evaluated: 2024-05-05. Review status: criteria provided, single submitter. Criteria: Ambry Variant Classification Scheme 2023. Collection method: clinical testing. Allele origin: germline.
Comment: The p.W144C variant (also known as c.432G>T), located in coding exon 3 of the PRSS1 gene, results from a G to T substitution at nucleotide position 432. The tryptophan at codon 144 is replaced by cysteine, an amino acid with highly dissimilar properties. This amino acid position is highly conserved in available vertebrate species. In addition, this alteration is predicted to be deleterious by in silico analysis. Since supporting evidence is limited at this time, the clinical significance of this alteration remains unclear.